The following is an entry in ClinVar:

ClinVar aggregate classification (germline): Likely benign. Review status: criteria provided, multiple submitters, no conflicts (2 of 4 stars). 3 submissions from 3 submitters: Likely benign (3). Last evaluated 2024-07-09.

Conditions:
Arrhythmogenic cardiomyopathy with wooly hair and keratoderma. Also called: Arrhythmogenic cardiomyopathy with woolly hair and keratoderma; Dilated cardiomyopathy with woolly hair and keratoderma; PALMOPLANTAR KERATODERMA WITH LEFT VENTRICULAR CARDIOMYOPATHY AND WOOLLY HAIR; Carvajal syndrome. Identifiers: Orphanet 65282, MedGen C1854063, MONDO:0011581, OMIM 605676.
Arrhythmogenic right ventricular dysplasia 8 (ARVD8). Also called: Arrhythmogenic Right Ventricular Dysplasia/Cardiomyopathy 8; ARRHYTHMOGENIC RIGHT VENTRICULAR DYSPLASIA, FAMILIAL, 8; ARRHYTHMOGENIC RIGHT VENTRICULAR CARDIOMYOPATHY 8. Identifiers: MedGen C1843896, MONDO:0011831, OMIM 607450.

Allele frequency attached by ClinVar (database versions not stated): ESP Exome Variant Server 0.00008; gnomAD exomes 0.00015 and 0.00033; ExAC 0.00026; gnomAD 0.00036 and 0.00038.
gnomAD v4.1: 267 of 1,613,994 alleles (0.017%); highest among the groups gnomAD compares: Non-Finnish European, 0.0018%; no homozygotes.

Submissions (3):

Blueprint Genetics
Classification: Likely benign. Last evaluated: 2024-07-09. Review status: criteria provided, single submitter. Criteria: ACMG Guidelines, 2015. Collection method: clinical testing. Allele origin: germline.

All of Us Research Program, National Institutes of Health
Classification: Likely benign for Arrhythmogenic cardiomyopathy with wooly hair and keratoderma. Last evaluated: 2023-11-20. Review status: criteria provided, single submitter. Criteria: ACMG Guidelines, 2015. Collection method: clinical testing. Allele origin: germline. Inheritance: Autosomal dominant inheritance. Observed: 2 variant alleles, 2 heterozygotes.
Comment: This study involves interpretation of variants in research participants for the purpose of population health screening. Participant phenotype was not available at the time of variant classification. Additional details can be found in publication PMID: 35346344, PMCID: PMC8962531

Labcorp Genetics (formerly Invitae), Labcorp
Classification: Likely benign for Arrhythmogenic cardiomyopathy with wooly hair and keratoderma; Arrhythmogenic right ventricular dysplasia 8. Last evaluated: 2022-03-08. Review status: criteria provided, single submitter. Criteria: Invitae Variant Classification Sherloc (09022015). Collection method: clinical testing. Allele origin: germline.

NM_004415.4(DSP):c.6296C>T (p.Pro2099Leu)

Gene: DSP (desmoplakin; plus strand). Cytogenetic location: 6p24.3.
Variant type: single nucleotide variant.
Coding change: c.6296C>T on transcript NM_004415.4 (MANE Select); coding-DNA position 6296, C replaced by T.
Protein change: p.Pro2099Leu; replaces proline 2099 with leucine.
Molecular consequence: missense variant.
Genome position (GRCh38, 1-based): chr6:7,583,558, C>T. VCF-style: chr6-7583558-C-T. GRCh37 (hg19) VCF-style: chr6-7583791-C-T.
Other names: c.4499C>T, p.Pro1500Leu (NM_001008844.3); c.4967C>T, p.Pro1656Leu (NM_001319034.2); short protein forms P1500L, P1656L, P2099L.
Identifiers: ClinVar variation 1604676 (VCV001604676.10), dbSNP rs201625698, ClinGen allele CA047248.
Genomic context (GRCh38, chr6:7,583,558, plus strand): 5'-ACTTCGATGACCGTCAGCAGATATATGCAGCAGAAAAAGCTATCACTGGTTTTGATGATC[C>T]ATTTTCAGGCAAGACAGTATCTGTTTCAGAAGCCATCAAGAAAAATTTGATTGATAGAGA-3'
Protein context (NP_004406.2, residues 2089-2109): AEKAITGFDD[Pro2099Leu]FSGKTVSVSE